The following is an entry in ClinVar:

NM_000152.5(GAA):c.2646+1G>A

Gene: GAA (alpha glucosidase; plus strand). Cytogenetic location: 17q25.3.
Variant type: single nucleotide variant.
Coding change: c.2646+1G>A on transcript NM_000152.5 (MANE Select); the canonical splice donor site of the intron after coding-DNA position 2646, G replaced by A.
Molecular consequence: splice donor variant.
Genome position (GRCh38, 1-based): chr17:80,118,358, G>A. VCF-style: chr17-80118358-G-A. GRCh37 (hg19) VCF-style: chr17-78092157-G-A.
Other names: c.2646+1G>A (NM_000152.3, NM_001406741.1, NM_001406742.1 and 2 more transcripts).
Identifiers: ClinVar variation 1324436 (VCV001324436.11), dbSNP rs2143931061, ClinGen allele CA401326508.
Genomic context (GRCh38, chr17:80,118,358, plus strand): 5'-GAGAGCCTGGAAGTGCTGGAGCGAGGGGCCTACACACAGGTCATCTTCCTGGCCAGGAAT[G>A]TGAGTCCTGGGGCTGCTCAGGCTGGTGGGCAGGGGCCGGCTCGGGGTTGAGAAGGGGTGA-3'

ClinVar aggregate classification (germline): Pathogenic/Likely pathogenic. Review status: criteria provided, multiple submitters, no conflicts (2 of 4 stars). 5 submissions from 5 submitters: Pathogenic (2); Likely pathogenic (3). Last evaluated 2026-07-01.

Conditions:
Cardiovascular phenotype. Identifiers: MedGen CN230736.
Glycogen storage disease, type II (IOPD). Also called: CARDIOMEGALIA GLYCOGENICA DIFFUSA; GLYCOGENOSIS, GENERALIZED, CARDIAC FORM; GSD II; POMPE DISEASE, INFANTILE-ONSET; GLYCOGEN STORAGE DISEASE II, INFANTILE-ONSET; ACID ALPHA-GLUCOSIDASE DEFICIENCY, INFANTILE-ONSET. Identifiers: Orphanet 365, MedGen C0017921, MONDO:0009290, OMIM 232300.

Allele frequency attached by ClinVar (database versions not stated): gnomAD exomes below 0.00001.
gnomAD v4.1: 2 of 1,560,352 alleles (0.00013%); highest among the groups gnomAD compares: South Asian, 0.0012%; no homozygotes.

Submissions (5):

Genomenon, Inc
Classification: Pathogenic for Glycogen storage disease, type II. Last evaluated: 2026-07-01. Review status: criteria provided, single submitter. Criteria: Genomenon Sequence Variant Interpretation Standards - Updated. Collection method: curation. Allele origin: germline. Affected: yes.
Comment: GAA c.2646+1G>A is a canonical splice variant affecting the acceptor splice site of intron 18. It is predicted to affect mRNA splicing, leading to a deleterious effect on the GAA protein. This variant has been observed in at least one proband with a GAA-related disorder (PMID:37087815). It is absent or not present at a significant frequency in gnomAD. In conclusion, we classify GAA c.2646+1G>A as a pathogenic variant.

Ambry Genetics
Classification: Likely pathogenic for Cardiovascular phenotype. Last evaluated: 2025-08-29. Review status: criteria provided, single submitter. Criteria: Ambry Variant Classification Scheme 2023. Collection method: clinical testing. Allele origin: germline.
Comment: The c.2646+1G>A intronic variant results from a G to A substitution one nucleotide after coding exon 17 of the GAA gene. Alterations that disrupt the canonical splice site are expected to result in aberrant splicing. In silico splice site analysis predicts that this alteration will weaken the native splice donor site and will result in the creation or strengthening of a novel splice donor site. A resulting transcript is predicted to be in-frame and is not expected to trigger nonsense-mediated mRNAdecay; although, direct evidence is unavailable. However, the region predicted to be impacted is critical for protein function (Ambry internal data). This variant has been identified in the homozygous state and/or in conjunction with other GAA variant(s) in individual(s), but clinical details were limited (Almeida LS et al. Eur J Hum Genet, 2022 Sep;30:1029-1035). This variant is considered to be rare based on population cohorts in the Genome Aggregation Database (gnomAD). This nucleotide position is highly conserved in available vertebrate species. Based on the majority of available evidence to date, this variant is likely to be pathogenic.

GeneDx
Classification: Likely pathogenic. Last evaluated: 2024-09-09. Review status: criteria provided, single submitter. Criteria: GeneDx Variant Classification Process June 2021. Collection method: clinical testing. Allele origin: germline. Affected: yes.
Comment: Identified in a patient with abnormal enzyme studies suspected of having an inherited metabolic disease, however it is unclear if a second GAA variant was identified and specific clinical information was not provided (PMID: 35614200); Canonical splice site variant predicted to result in an in-frame loss of the adjacent exon in a gene for which loss of function is a known mechanism of disease; Not observed at significant frequency in large population cohorts (gnomAD); This variant is associated with the following publications: (PMID: 11738358, 35614200, 29422078)

Labcorp Genetics (formerly Invitae), Labcorp
Classification: Pathogenic for Glycogen storage disease, type II. Last evaluated: 2023-04-23. Review status: criteria provided, single submitter. Criteria: Invitae Variant Classification Sherloc (09022015). Collection method: clinical testing. Allele origin: germline.
Comment: For these reasons, this variant has been classified as Pathogenic. Algorithms developed to predict the effect of sequence changes on RNA splicing suggest that this variant may disrupt the consensus splice site. ClinVar contains an entry for this variant (Variation ID: 1324436). Disruption of this splice site has been observed in individuals with Pompe disease (PMID: 11738358, 29422078). This variant is not present in population databases (gnomAD no frequency). This sequence change affects a donor splice site in intron 18 of the GAA gene. It is expected to disrupt RNA splicing. Variants that disrupt the donor or acceptor splice site typically lead to a loss of protein function (PMID: 16199547), and loss-of-function variants in GAA are known to be pathogenic (PMID: 18425781, 22252923).

Revvity Omics, Revvity
Classification: Likely pathogenic. Last evaluated: 2021-05-25. Review status: criteria provided, single submitter. Criteria: ACMG Guidelines, 2015. Collection method: clinical testing. Allele origin: germline.

Literature cited by the submitters: PubMed 37087815 (cited by Genomenon, Inc); PubMed 35614200 (cited by Ambry Genetics); PubMed 11738358 (cited by Labcorp Genetics (formerly Invitae), Labcorp); PubMed 29422078 (cited by Labcorp Genetics (formerly Invitae), Labcorp); PubMed 16199547 (cited by Labcorp Genetics (formerly Invitae), Labcorp); PubMed 18425781 (cited by Labcorp Genetics (formerly Invitae), Labcorp); PubMed 22252923 (cited by Labcorp Genetics (formerly Invitae), Labcorp).